The following is an entry in ClinVar:

ClinVar aggregate classification (germline): Uncertain significance. Review status: criteria provided, multiple submitters, no conflicts (2 of 4 stars). 2 submissions from 2 submitters: Uncertain significance (2). Last evaluated 2024-11-18.

Conditions:
Inborn genetic diseases. Identifiers: MedGen C0950123, MeSH D030342.

Allele frequency attached by ClinVar (database versions not stated): TOPMed below 0.00001; ExAC 0.00001.

Submissions (2):

Ambry Genetics
Classification: Uncertain significance for Inborn genetic diseases. Last evaluated: 2024-11-18. Review status: criteria provided, single submitter. Criteria: Ambry Variant Classification Scheme 2023. Collection method: clinical testing. Allele origin: germline.
Comment: The p.S247L variant (also known as c.740C>T), located in coding exon 6 of the PAX5 gene, results from a C to T substitution at nucleotide position 740. The serine at codon 247 is replaced by leucine, an amino acid with dissimilar properties. This amino acid position is conserved. In addition, this alteration is predicted to be deleterious by in silico analysis. Based on the available evidence, the clinical significance of this variant remains unclear.

Labcorp Genetics (formerly Invitae), Labcorp
Classification: Uncertain significance. Last evaluated: 2022-11-07. Review status: criteria provided, single submitter. Criteria: Invitae Variant Classification Sherloc (09022015). Collection method: clinical testing. Allele origin: germline.
Comment: In summary, the available evidence is currently insufficient to determine the role of this variant in disease. Therefore, it has been classified as a Variant of Uncertain Significance. Advanced modeling of protein sequence and biophysical properties (such as structural, functional, and spatial information, amino acid conservation, physicochemical variation, residue mobility, and thermodynamic stability) performed at Invitae indicates that this missense variant is not expected to disrupt PAX5 protein function. This variant has not been reported in the literature in individuals affected with PAX5-related conditions. This variant is not present in population databases (gnomAD no frequency). This sequence change replaces serine, which is neutral and polar, with leucine, which is neutral and non-polar, at codon 247 of the PAX5 protein (p.Ser247Leu).

NM_016734.3(PAX5):c.740C>T (p.Ser247Leu)

Gene: PAX5 (paired box 5; minus strand). Cytogenetic location: 9p13.2.
Variant type: single nucleotide variant.
Coding change: c.740C>T on transcript NM_016734.3 (MANE Select); coding-DNA position 740, C replaced by T.
Protein change: p.Ser247Leu; replaces serine 247 with leucine.
Molecular consequence: missense variant. On other transcripts: non-coding transcript variant (2).
Genome position (GRCh38, 1-based): chr9:36,966,589, G>A on the plus strand (C>T on the coding strand, the complement: PAX5 is on the minus strand). VCF-style: chr9-36966589-G-A. GRCh37 (hg19) VCF-style: chr9-36966586-G-A.
Other names: c.740C>T, p.Ser247Leu (NM_001280547.2, NM_001280548.2, NM_001280549.2 and 2 more transcripts); c.416C>T, p.Ser139Leu (NM_001280551.2, NM_001280556.2); c.611C>T, p.Ser204Leu (NM_001280553.2, NM_001280554.2); c.740C>T (NM_016734.1); c.542C>T, p.Ser181Leu (NM_001280555.2); short protein forms S181L, S139L, S204L, S247L.
Identifiers: ClinVar variation 1976708 (VCV001976708.6), dbSNP rs763062305, ClinGen allele CA5058221.